The following is an entry in ClinVar:

ClinVar aggregate classification (germline): Pathogenic/Likely pathogenic. Review status: criteria provided, multiple submitters, no conflicts (2 of 4 stars). 2 submissions from 2 submitters: Pathogenic (1); Likely pathogenic (1). Last evaluated 2023-01-22.

Conditions:
Osteogenesis imperfecta type I (OI1). Also called: OI, TYPE I; OSTEOGENESIS IMPERFECTA TARDA; OSTEOGENESIS IMPERFECTA WITH BLUE SCLERAE; Osteogenesis imperfecta type 1; Classic Non-deforming Osteogenesis Imperfecta with Blue Sclerae; Lobstein's Disease. Identifiers: Orphanet 216796, Orphanet 666, MedGen C0023931, MONDO:0008146, OMIM 166200. Disease mechanism: loss of function.
Ehlers-Danlos syndrome, classic type, 1 (EDSCL1). Also called: EHLERS-DANLOS SYNDROME, GRAVIS TYPE; EHLERS-DANLOS SYNDROME, SEVERE CLASSIC TYPE; EDS I; Ehlers-Danlos Syndrome, Classic Type, COL5A1-Related; Ehlers-Danlos syndrome, type 1. Identifiers: MedGen C0268335, MONDO:0019567, OMIM 130000.
Ehlers-Danlos syndrome, arthrochalasia type, 2. Also called: EHLERS-DANLOS SYNDROME, TYPE VIIB, AUTOSOMAL DOMINANT. Identifiers: MedGen CN293783, MONDO:0040501, OMIM 617821.

Submissions (2):

Labcorp Genetics (formerly Invitae), Labcorp
Classification: Pathogenic for Osteogenesis imperfecta type I; Ehlers-Danlos syndrome, classic type, 1. Last evaluated: 2023-01-22. Review status: criteria provided, single submitter. Criteria: Invitae Variant Classification Sherloc (09022015). Collection method: clinical testing. Allele origin: germline.
Comment: ClinVar contains an entry for this variant (Variation ID: 1031384). For these reasons, this variant has been classified as Pathogenic. This variant disrupts the triple helix domain of COL1A2. Glycine residues within the Gly-Xaa-Yaa repeats of the triple helix domain are required for the structure and stability of fibrillar collagens (PMID: 7695699, 8218237, 19344236). In COL1A2, variants affecting these glycine residues are significantly enriched in individuals with disease (PMID: 9016532, 17078022) compared to the general population (ExAC). Advanced modeling of protein sequence and biophysical properties (such as structural, functional, and spatial information, amino acid conservation, physicochemical variation, residue mobility, and thermodynamic stability) performed at Invitae indicates that this missense variant is expected to disrupt COL1A2 protein function. This missense change has been observed in individual(s) with autosomal dominant COL1A2-related conditions (PMID: 28725987, 31414283, 31447884). This variant is not present in population databases (gnomAD no frequency). This sequence change replaces glycine, which is neutral and non-polar, with glutamic acid, which is acidic and polar, at codon 775 of the COL1A2 protein (p.Gly775Glu).

Baylor Genetics
Classification: Likely pathogenic for Ehlers-Danlos syndrome, arthrochalasia type, 2. Last evaluated: 2018-07-31. Review status: criteria provided, single submitter. Criteria: ACMG Guidelines, 2015. Collection method: clinical testing. Allele origin: unknown. Affected: yes.
Comment: This variant was determined to be likely pathogenic according to ACMG Guidelines, 2015 [PMID:25741868].

Literature cited by the submitters: PubMed 7695699 (cited by Labcorp Genetics (formerly Invitae), Labcorp); PubMed 8218237 (cited by Labcorp Genetics (formerly Invitae), Labcorp); PubMed 19344236 (cited by Labcorp Genetics (formerly Invitae), Labcorp); PubMed 9016532 (cited by Labcorp Genetics (formerly Invitae), Labcorp); PubMed 17078022 (cited by Labcorp Genetics (formerly Invitae), Labcorp); PubMed 28725987 (cited by Labcorp Genetics (formerly Invitae), Labcorp); PubMed 31414283 (cited by Labcorp Genetics (formerly Invitae), Labcorp); PubMed 31447884 (cited by Labcorp Genetics (formerly Invitae), Labcorp).

NM_000089.4(COL1A2):c.2324G>A (p.Gly775Glu)

Gene: COL1A2 (collagen type I alpha 2 chain; plus strand). Cytogenetic location: 7q21.3.
Variant type: single nucleotide variant.
Coding change: c.2324G>A on transcript NM_000089.4 (MANE Select); coding-DNA position 2324, G replaced by A.
Protein change: p.Gly775Glu; replaces glycine 775 with glutamic acid.
Molecular consequence: missense variant.
Genome position (GRCh38, 1-based): chr7:94,421,037, G>A. VCF-style: chr7-94421037-G-A. GRCh37 (hg19) VCF-style: chr7-94050349-G-A.
Other names: short protein forms G775E.
Identifiers: ClinVar variation 1031384 (VCV001031384.6), dbSNP rs1792148801, ClinGen allele CA368223704.